The following is an entry in ClinVar:

ClinVar aggregate classification (germline): Uncertain significance (1 of 4 stars; one submission).

gnomAD v4.1: 1 of 1,613,904 alleles (0.000062%); highest among the groups gnomAD compares: South Asian, 0.0011%; no homozygotes.

Submission:

GeneDx
Classification: Uncertain significance. Last evaluated: 2026-08-13. Review status: criteria provided, single submitter. Criteria: GeneDx Variant Classification Process June 2021. Collection method: clinical testing. Allele origin: germline.
Comment: Not observed at significant frequency in large population cohorts (gnomAD); In silico analysis supports that this missense variant has a deleterious effect on protein structure/function; Has not been previously published as pathogenic or benign to our knowledge

NM_024721.5(ZFHX4):c.8857A>G (p.Thr2953Ala)

Gene: ZFHX4 (zinc finger homeobox 4; plus strand). Cytogenetic location: 8q21.13.
Variant type: single nucleotide variant.
Coding change: c.8857A>G on transcript NM_024721.5 (MANE Select); coding-DNA position 8857, A replaced by G.
Protein change: p.Thr2953Ala; replaces threonine 2953 with alanine.
Molecular consequence: missense variant.
Genome position (GRCh38, 1-based): chr8:76,855,778, A>G. VCF-style: chr8-76855778-A-G. GRCh37 (hg19) VCF-style: chr8-77768014-A-G.
Other names: c.8779A>G, p.Thr2927Ala (NM_001410934.1); short protein forms T2927A, T2953A.
Identifiers: ClinVar variation 3900251 (VCV003900251.2).